The following is an entry in ClinVar:

NM_014283.5(SUCO):c.1606G>A (p.Ala536Thr)

Gene: SUCO (SUN domain containing ossification factor; plus strand). Cytogenetic location: 1q24.3.
Variant type: single nucleotide variant.
Coding change: c.1606G>A on transcript NM_014283.5 (MANE Select); coding-DNA position 1606, G replaced by A.
Protein change: p.Ala536Thr; replaces alanine 536 with threonine.
Molecular consequence: missense variant. On other transcripts: intron variant (1).
Genome position (GRCh38, 1-based): chr1:172,585,896, G>A. VCF-style: chr1-172585896-G-A. GRCh37 (hg19) VCF-style: chr1-172555036-G-A.
Other names: c.2059G>A, p.Ala687Thr (NM_016227.4); c.-31-2864G>A (NM_001282751.2); c.1495G>A, p.Ala499Thr (NM_001282750.2); short protein forms A687T, A499T, A536T.
Identifiers: ClinVar variation 2045710 (VCV002045710.5), dbSNP rs142806667, ClinGen allele CA1246923.

ClinVar aggregate classification (germline): Benign/Likely benign. Review status: criteria provided, multiple submitters, no conflicts (2 of 4 stars). 2 submissions from 2 submitters: Benign (1); Likely benign (1). Last evaluated 2026-08-01.

Allele frequency attached by ClinVar (database versions not stated): ESP Exome Variant Server 0.00008; TOPMed 0.00008; gnomAD 0.00039; ExAC 0.00124; 1000 Genomes Project 30x 0.00156; 1000 Genomes Project 0.00180.
gnomAD v4.1: 808 of 1,610,564 alleles (0.05%); highest among the groups gnomAD compares: South Asian, 0.79%; 12 homozygotes.

Submissions (2):

CeGaT Center for Human Genetics Tuebingen
Classification: Likely benign. Last evaluated: 2026-08-01. Review status: criteria provided, single submitter. Criteria: CeGaT Center For Human Genetics Tuebingen Variant Classification Criteria Version 2. Collection method: clinical testing. Allele origin: germline. Affected: yes. Observed: 1 variant allele.
Comment: SUCO: BP4

Labcorp Genetics (formerly Invitae), Labcorp
Classification: Benign. Last evaluated: 2025-10-29. Review status: criteria provided, single submitter. Criteria: Invitae Variant Classification Sherloc (09022015). Collection method: clinical testing. Allele origin: germline.